The following is an entry in ClinVar:

NM_014915.3(ANKRD26):c.-7_242+276del

Genes: ANKRD26 (ankyrin repeat domain 26; minus strand), LOC130003553 (ATAC-STARR-seq lymphoblastoid active region 3179; plus strand), LOC130003554 (ATAC-STARR-seq lymphoblastoid silent region 2243; plus strand). Cytogenetic location: 10p12.1.
Variant type: Deletion.
Coding change: c.-7_242+276del on transcript NM_014915.3 (MANE Select); 7 bases upstream of the start codon through 276 bases into the intron after coding-DNA position 242, 525 bases deleted.
Molecular consequence: splice donor variant, initiator codon variant.
Genome position (GRCh38, 1-based): chr10:27,099,809-27,100,333, 525 bases deleted. GRCh37 (hg19): chr10:27,388,740-27,389,264.
Other names: c.-7_242+276del (NM_001256053.2).
Identifiers: ClinVar variation 2700703 (VCV002700703.3), dbSNP rs2539355210, ClinGen allele CA2697558293.

ClinVar aggregate classification (germline): Uncertain significance (1 of 4 stars; one submission).

Submission:

Labcorp Genetics (formerly Invitae), Labcorp
Classification: Uncertain significance. Last evaluated: 2023-05-23. Review status: criteria provided, single submitter. Criteria: Invitae Variant Classification Sherloc (09022015). Collection method: clinical testing. Allele origin: germline.
Comment: This variant has not been reported in the literature in individuals affected with ANKRD26-related conditions. This variant is not present in population databases (gnomAD no frequency). This sequence change affects the initiator methionine of the ANKRD26 mRNA. The next in-frame methionine is located at codon 79. Experimental studies and prediction algorithms are not available or were not evaluated, and the functional significance of this variant is currently unknown. In summary, the available evidence is currently insufficient to determine the role of this variant in disease. Therefore, it has been classified as a Variant of Uncertain Significance.